The following is an entry in ClinVar:

ClinVar aggregate classification (germline): Uncertain significance. Review status: criteria provided, multiple submitters, no conflicts (2 of 4 stars). 3 submissions from 3 submitters: Uncertain significance (3). Last evaluated 2025-02-16.

Conditions:
TSC1-related disorder. Also called: TSC1-related condition.
Hereditary cancer-predisposing syndrome. Also called: Tumor predisposition; Neoplastic Syndromes, Hereditary; Hereditary Cancer Syndrome; Hereditary neoplastic syndrome. Identifiers: Orphanet 140162, MedGen C0027672, MeSH D009386, MONDO:0015356.
Tuberous sclerosis 1 (TSC1). Identifiers: Orphanet 805, MedGen C1854465, MONDO:0008612, OMIM 191100.

Submissions (3):

Labcorp Genetics (formerly Invitae), Labcorp
Classification: Uncertain significance for Tuberous sclerosis 1. Last evaluated: 2025-02-16. Review status: criteria provided, single submitter. Criteria: Invitae Variant Classification Sherloc (09022015). Collection method: clinical testing. Allele origin: germline.
Comment: This sequence change replaces methionine, which is neutral and non-polar, with valine, which is neutral and non-polar, at codon 223 of the TSC1 protein (p.Met223Val). This variant is not present in population databases (gnomAD no frequency). This variant has not been reported in the literature in individuals affected with TSC1-related conditions. ClinVar contains an entry for this variant (Variation ID: 1062069). Invitae Evidence Modeling of protein sequence and biophysical properties (such as structural, functional, and spatial information, amino acid conservation, physicochemical variation, residue mobility, and thermodynamic stability) indicates that this missense variant is expected to disrupt TSC1 protein function with a positive predictive value of 80%. Algorithms developed to predict the effect of sequence changes on RNA splicing suggest that this variant may create or strengthen a splice site. In summary, the available evidence is currently insufficient to determine the role of this variant in disease. Therefore, it has been classified as a Variant of Uncertain Significance.

PreventionGenetics, part of Exact Sciences
Classification: Uncertain significance for TSC1-related condition. Last evaluated: 2023-08-31. Review status: criteria provided, single submitter. Criteria: ACMG Guidelines, 2015. Collection method: clinical testing. Allele origin: germline.
Comment: The TSC1 c.667A>G variant is predicted to result in the amino acid substitution p.Met223Val. To our knowledge, this variant has not been reported in the literature or in a large population database, indicating this variant is rare. At this time, the clinical significance of this variant is uncertain due to the absence of conclusive functional and genetic evidence.

Ambry Genetics
Classification: Uncertain significance for Hereditary cancer-predisposing syndrome. Last evaluated: 2022-08-07. Review status: criteria provided, single submitter. Criteria: Ambry Variant Classification Scheme 2023. Collection method: clinical testing. Allele origin: germline.
Comment: The p.M223V variant (also known as c.667A>G), located in coding exon 6 of the TSC1 gene, results from an A to G substitution at nucleotide position 667. The methionine at codon 223 is replaced by valine, an amino acid with highly similar properties. This amino acid position is conserved. In addition, this alteration is predicted to be deleterious by in silico analysis. Since supporting evidence is limited at this time, the clinical significance of this alteration remains unclear.

NM_000368.5(TSC1):c.667A>G (p.Met223Val)

Gene: TSC1 (TSC complex subunit 1; minus strand). Cytogenetic location: 9q34.13.
Variant type: single nucleotide variant.
Coding change: c.667A>G on transcript NM_000368.5 (MANE Select); coding-DNA position 667, A replaced by G.
Protein change: p.Met223Val; replaces methionine 223 with valine.
Molecular consequence: missense variant.
Genome position (GRCh38, 1-based): chr9:132,921,433, T>C on the plus strand (A>G on the coding strand, the complement: TSC1 is on the minus strand). VCF-style: chr9-132921433-T-C. GRCh37 (hg19) VCF-style: chr9-135796820-T-C.
Other names: c.667A>G, p.Met223Val (NM_001162426.2); c.514A>G, p.Met172Val (NM_001162427.2); c.304A>G, p.Met102Val (NM_001362177.2); short protein forms M102V, M172V, M223V.
Identifiers: ClinVar variation 1062069 (VCV001062069.12), dbSNP rs2132138226, ClinGen allele CA375371534.